The following is an entry in ClinVar:

NM_004247.4(EFTUD2):c.1238G>A (p.Arg413His)

Gene: EFTUD2 (elongation factor Tu GTP binding domain containing 2; minus strand). Cytogenetic location: 17q21.31.
Variant type: single nucleotide variant.
Coding change: c.1238G>A on transcript NM_004247.4 (MANE Select); coding-DNA position 1238, G replaced by A.
Protein change: p.Arg413His; replaces arginine 413 with histidine.
Molecular consequence: missense variant.
Genome position (GRCh38, 1-based): chr17:44,864,977, C>T on the plus strand (G>A on the coding strand, the complement: EFTUD2 is on the minus strand). VCF-style: chr17-44864977-C-T. GRCh37 (hg19) VCF-style: chr17-42942345-C-T.
Other names: c.1133G>A, p.Arg378His (NM_001142605.2); c.1238G>A, p.Arg413His (NM_001258353.2); c.1208G>A, p.Arg403His (NM_001258354.2); c.1238G>A (NM_004247.3); short protein forms R378H, R413H, R403H.
Identifiers: ClinVar variation 3706531 (VCV003706531.4).

ClinVar aggregate classification (germline): Conflicting classifications of pathogenicity. Review status: criteria provided, conflicting classifications (1 of 4 stars). 3 submissions from 3 submitters: Uncertain significance (2); Likely benign (1). Last evaluated 2025-10-24.

Conditions:
Inborn genetic diseases. Identifiers: MedGen C0950123, MeSH D030342.
EFTUD2-related disorder. Also called: EFTUD2-related condition.

gnomAD v4.1: 139 of 1,614,002 alleles (0.0086%); highest among the groups gnomAD compares: Non-Finnish European, 0.012%; no homozygotes.

Submissions (3):

Ambry Genetics
Classification: Likely benign for Inborn genetic diseases. Last evaluated: 2025-10-24. Review status: criteria provided, single submitter. Criteria: Ambry Variant Classification Scheme 2023. Collection method: clinical testing. Allele origin: germline.

PreventionGenetics, part of Exact Sciences
Classification: Uncertain significance for EFTUD2-related condition. Last evaluated: 2025-09-30. Review status: criteria provided, single submitter. Criteria: ACMG Guidelines, 2015. Collection method: clinical testing. Allele origin: germline.
Comment: The EFTUD2 c.1238G>A variant is predicted to result in the amino acid substitution p.Arg413His. To our knowledge, this variant has not been reported in the literature. This variant is reported in 0.0050% of alleles in individuals of East Asian descent in gnomAD. At this time, the clinical significance of this variant is uncertain due to the absence of conclusive functional and genetic evidence.

Labcorp Genetics (formerly Invitae), Labcorp
Classification: Uncertain significance. Last evaluated: 2025-05-28. Review status: criteria provided, single submitter. Criteria: Invitae Variant Classification Sherloc (09022015). Collection method: clinical testing. Allele origin: germline.
Comment: This sequence change replaces arginine, which is basic and polar, with histidine, which is basic and polar, at codon 413 of the EFTUD2 protein (p.Arg413His). This variant is present in population databases (rs754755141, gnomAD 0.005%). This variant has not been reported in the literature in individuals affected with EFTUD2-related conditions. ClinVar contains an entry for this variant (Variation ID: 3706531). Invitae Evidence Modeling of protein sequence and biophysical properties (such as structural, functional, and spatial information, amino acid conservation, physicochemical variation, residue mobility, and thermodynamic stability) indicates that this missense variant is expected to disrupt EFTUD2 protein function with a positive predictive value of 80%. In summary, the available evidence is currently insufficient to determine the role of this variant in disease. Therefore, it has been classified as a Variant of Uncertain Significance.